The following is an entry in ClinVar:

ClinVar aggregate classification (germline): Uncertain significance (1 of 4 stars; one submission).

Submission:

Mayo Clinic Laboratories, Mayo Clinic
Classification: Uncertain significance. Last evaluated: 2025-08-02. Review status: criteria provided, single submitter. Criteria: ACMG Guidelines, 2015. Collection method: clinical testing. Allele origin: germline. Observed: 1 variant allele.
Comment: BP4_moderate

NM_001267550.2(TTN):c.30343A>G (p.Thr10115Ala)

Gene: TTN (titin; minus strand). Cytogenetic location: 2q31.2.
Variant type: single nucleotide variant.
Coding change: c.30343A>G on transcript NM_001267550.2 (MANE Select); coding-DNA position 30343, A replaced by G.
Protein change: p.Thr10115Ala; replaces threonine 10115 with alanine.
Molecular consequence: missense variant. On other transcripts: intron variant (3).
Genome position (GRCh38, 1-based): chr2:178,702,544, T>C on the plus strand (A>G on the coding strand, the complement: TTN is on the minus strand). VCF-style: chr2-178702544-T-C. GRCh37 (hg19) VCF-style: chr2-179567271-T-C.
Other names: p.Thr8871Ala; c.29392A>G, p.Thr9798Ala (NM_001256850.1); c.26611A>G, p.Thr8871Ala (NM_133378.4); c.13282+35538A>G (NM_003319.4); c.13858+35538A>G (NM_133437.4); c.13657+35538A>G (NM_133432.3); short protein forms T10115A, T8871A, T9798A.
Identifiers: ClinVar variation 4540746 (VCV004540746.1).